The following is an entry in ClinVar:

ClinVar aggregate classification (germline): Uncertain significance. Review status: criteria provided, multiple submitters, no conflicts (2 of 4 stars). 2 submissions from 2 submitters: Uncertain significance (2). Last evaluated 2026-01-19.

Conditions:
Inborn genetic diseases. Identifiers: MedGen C0950123, MeSH D030342.

gnomAD v4.1: 1 of 1,260,356 alleles (0.000079%); highest among the groups gnomAD compares: Admixed American, 0.0029%; no homozygotes.

Submissions (2):

Labcorp Genetics (formerly Invitae), Labcorp
Classification: Uncertain significance. Last evaluated: 2026-01-19. Review status: criteria provided, single submitter. Criteria: Invitae Variant Classification Sherloc (09022015). Collection method: clinical testing. Allele origin: germline.
Comment: This sequence change replaces glutamic acid, which is acidic and polar, with glycine, which is neutral and non-polar, at codon 168 of the DHX37 protein (p.Glu168Gly). The frequency data for this variant in the population databases is considered unreliable, as metrics indicate poor data quality at this position in the gnomAD database. This variant has not been reported in the literature in individuals affected with DHX37-related conditions. ClinVar contains an entry for this variant (Variation ID: 3271904). An algorithm developed to predict the effect of missense changes on protein structure and function (PolyPhen-2) suggests that this variant is likely to be tolerated. In summary, the available evidence is currently insufficient to determine the role of this variant in disease. Therefore, it has been classified as a Variant of Uncertain Significance.

Ambry Genetics
Classification: Uncertain significance for Inborn genetic diseases. Last evaluated: 2024-04-09. Review status: criteria provided, single submitter. Criteria: Ambry Variant Classification Scheme 2023. Collection method: clinical testing. Allele origin: germline.

NM_032656.4(DHX37):c.503A>G (p.Glu168Gly)

Gene: DHX37 (DEAH-box helicase 37; minus strand). Cytogenetic location: 12q24.31.
Variant type: single nucleotide variant.
Coding change: c.503A>G on transcript NM_032656.4 (MANE Select); coding-DNA position 503, A replaced by G.
Protein change: p.Glu168Gly; replaces glutamic acid 168 with glycine.
Molecular consequence: missense variant.
Genome position (GRCh38, 1-based): chr12:124,980,725, T>C on the plus strand (A>G on the coding strand, the complement: DHX37 is on the minus strand). VCF-style: chr12-124980725-T-C. GRCh37 (hg19) VCF-style: chr12-125465271-T-C.
Other names: short protein forms E168G.
Identifiers: ClinVar variation 3271904 (VCV003271904.2).